The following is an entry in ClinVar:

NM_001040108.2(MLH3):c.1523T>A (p.Phe508Tyr)

Gene: MLH3 (mutL homolog 3; minus strand). Cytogenetic location: 14q24.3.
Variant type: single nucleotide variant.
Coding change: c.1523T>A on transcript NM_001040108.2 (MANE Select); coding-DNA position 1523, T replaced by A.
Protein change: p.Phe508Tyr; replaces phenylalanine 508 with tyrosine.
Molecular consequence: missense variant.
Genome position (GRCh38, 1-based): chr14:75,048,133, A>T on the plus strand (T>A on the coding strand, the complement: MLH3 is on the minus strand). VCF-style: chr14-75048133-A-T. GRCh37 (hg19) VCF-style: chr14-75514836-A-T.
Other names: c.1523T>A, p.Phe508Tyr (NM_014381.3); c.1523T>A (NM_001040108.1); short protein forms F508Y.
Identifiers: ClinVar variation 1466892 (VCV001466892.9), dbSNP rs2139581522, ClinGen allele CA390445225.

ClinVar aggregate classification (germline): Uncertain significance. Review status: criteria provided, multiple submitters, no conflicts (2 of 4 stars). 2 submissions from 2 submitters: Uncertain significance (2). Last evaluated 2026-01-17.

Conditions:
Colorectal cancer, hereditary nonpolyposis, type 7. Identifiers: Orphanet 144, MedGen C1858380, MONDO:0013725, OMIM 614385.

Submissions (2):

Ambry Genetics
Classification: Uncertain significance. Last evaluated: 2026-01-17. Review status: criteria provided, single submitter. Criteria: Ambry Variant Classification Scheme 2023. Collection method: clinical testing. Allele origin: germline.
Comment: The p.F508Y variant (also known as c.1523T>A), located in coding exon 1 of the MLH3 gene, results from a T to A substitution at nucleotide position 1523. The phenylalanine at codon 508 is replaced by tyrosine, an amino acid with highly similar properties. This amino acid position is conserved. In addition, this alteration is predicted to be tolerated by in silico analysis. Based on the available evidence, the clinical significance of this variant remains unclear.

Labcorp Genetics (formerly Invitae), Labcorp
Classification: Uncertain significance for Colorectal cancer, hereditary nonpolyposis, type 7. Last evaluated: 2021-01-20. Review status: criteria provided, single submitter. Criteria: Invitae Variant Classification Sherloc (09022015). Collection method: clinical testing. Allele origin: germline.
Comment: In summary, the available evidence is currently insufficient to determine the role of this variant in disease. Therefore, it has been classified as a Variant of Uncertain Significance. Algorithms developed to predict the effect of missense changes on protein structure and function (SIFT, PolyPhen-2, Align-GVGD) all suggest that this variant is likely to be tolerated, but these predictions have not been confirmed by published functional studies and their clinical significance is uncertain. This variant has not been reported in the literature in individuals with MLH3-related conditions. This variant is not present in population databases (ExAC no frequency). This sequence change replaces phenylalanine with tyrosine at codon 508 of the MLH3 protein (p.Phe508Tyr). The phenylalanine residue is weakly conserved and there is a small physicochemical difference between phenylalanine and tyrosine.